The following is an entry in ClinVar:

NM_025099.6(CTC1):c.1213del (p.Asp405fs)

Gene: CTC1 (CST telomere replication complex component 1; minus strand). Cytogenetic location: 17p13.1.
Variant type: Deletion.
Coding change: c.1213del on transcript NM_025099.6 (MANE Select); coding-DNA position 1213, one base deleted (G; older notation c.1213delG).
Protein change: p.Asp405fs; shifts the reading frame from aspartic acid 405.
Molecular consequence: frameshift variant. On other transcripts: non-coding transcript variant (1).
Genome position (GRCh38, 1-based): chr17:8,235,279, C deleted on the plus strand (G on the coding strand, the reverse complement: CTC1 is on the minus strand); the first of 2 consecutive C bases (chr17:8,235,279-8,235,280); deleting either gives the same sequence. VCF-style (leftmost placement, unchanged base first): chr17-8235278-TC-T. GRCh37 (hg19) VCF-style: chr17-8138596-TC-T.
Other names: c.1213delG (NM_025099.6); short protein forms D405fs.
Identifiers: ClinVar variation 434858 (VCV000434858.13), dbSNP rs1444923772, ClinGen allele CA645373071.

ClinVar aggregate classification (germline): Pathogenic/Likely pathogenic. Review status: criteria provided, multiple submitters, no conflicts (2 of 4 stars). 5 submissions from 5 submitters: Pathogenic (4); Likely pathogenic (1). Last evaluated 2025-12-11.

Conditions:
Coats plus syndrome. Also called: Cerebroretinal microangiopathy with calcifications and cysts. Identifiers: Orphanet 313838, MedGen C2677299, MONDO:0012815.
Dyskeratosis congenita. Identifiers: Orphanet 1775, MedGen C0265965, MONDO:0015780.
CTC1-related disorder. Also called: CTC1-related condition.
Cerebroretinal microangiopathy with calcifications and cysts 1 (CRMCC1). Identifiers: Orphanet 313838, MedGen C4552029, MONDO:0024564, OMIM 612199.

Submissions (5):

Labcorp Genetics (formerly Invitae), Labcorp
Classification: Pathogenic for Dyskeratosis congenita. Last evaluated: 2025-12-11. Review status: criteria provided, single submitter. Criteria: Invitae Variant Classification Sherloc (09022015). Collection method: clinical testing. Allele origin: germline.
Comment: This sequence change creates a premature translational stop signal (p.Asp405Metfs*58) in the CTC1 gene. It is expected to result in an absent or disrupted protein product. Loss-of-function variants in CTC1 are known to be pathogenic (PMID: 22267198, 22387016). This variant is not present in population databases (gnomAD no frequency). This premature translational stop signal has been observed in individual(s) with cerebroretinal microangiopathy with calcifications and cysts and/or paroxysmal nocturnal haemoglobinuria (PMID: 23220793, 30891747). ClinVar contains an entry for this variant (Variation ID: 434858). For these reasons, this variant has been classified as Pathogenic.

Women's Health and Genetics/Laboratory Corporation of America, LabCorp
Classification: Pathogenic for Cerebroretinal microangiopathy with calcifications and cysts 1. Last evaluated: 2025-11-03. Review status: criteria provided, single submitter. Criteria: LabCorp Variant Classification Summary - May 2015. Collection method: clinical testing. Allele origin: germline.
Comment: Variant summary: CTC1 c.1213delG (p.Asp405MetfsX58) results in a premature termination codon, predicted to cause a truncation of the encoded protein or absence of the protein due to nonsense mediated decay, which are commonly known mechanisms for disease. The variant was absent in 247164 control chromosomes. c.1213delG has been observed in individual(s) affected with Cerebroretinal Microangiopathy With Calcifications And Cysts 1 (example: Romaniello_2013). The following publication has been ascertained in the context of this evaluation (PMID: 23220793). ClinVar contains an entry for this variant (Variation ID: 434858). Based on the evidence outlined above, the variant was classified as pathogenic.

Fulgent Genetics
Classification: Pathogenic for Cerebroretinal microangiopathy with calcifications and cysts 1. Last evaluated: 2024-03-20. Review status: criteria provided, single submitter. Criteria: ACMG Guidelines, 2015. Collection method: clinical testing. Allele origin: germline.

Blueprint Genetics
Classification: Likely pathogenic for CTC1-related disorders. Last evaluated: 2021-10-06. Review status: criteria provided, single submitter. Criteria: ACMG Guidelines, 2015. Collection method: clinical testing. Allele origin: germline. Affected: yes. Observed: 2 variant alleles.

Genetic Services Laboratory, University of Chicago
Classification: Pathogenic for Cerebroretinal microangiopathy with calcifications and cysts. Last evaluated: 2016-05-13. Review status: criteria provided, single submitter. Criteria: ACMG Guidelines, 2015. Collection method: clinical testing. Allele origin: germline. Affected: yes.

Literature cited by the submitters: PubMed 22267198 (cited by Labcorp Genetics (formerly Invitae), Labcorp); PubMed 22387016 (cited by Labcorp Genetics (formerly Invitae), Labcorp); PubMed 23220793 (cited by Labcorp Genetics (formerly Invitae), Labcorp and Women's Health and Genetics/Laboratory Corporation of America, LabCorp); PubMed 30891747 (cited by Labcorp Genetics (formerly Invitae), Labcorp).